The following is an entry in ClinVar:

NM_000399.5(EGR2):c.910GCC[3] (p.Ala307_Ala309del)

Gene: EGR2 (early growth response 2; minus strand). Cytogenetic location: 10q21.3.
Variant type: Microsatellite.
Coding change: c.910GCC[3] on transcript NM_000399.5 (MANE Select); three copies in a row of the 3-base unit GCC starting at c.910; the reference has six copies in a row; three copies, 9 bases deleted.
Protein change: p.Ala307_Ala309del.
Molecular consequence: inframe deletion.
Genome position (GRCh38, 1-based): chr10:62,813,711-62,813,719, GGCGGCGGC deleted on the plus strand (GCCGCCGCC on the coding strand, the reverse complement: EGR2 is on the minus strand); deleting any 9 consecutive bases within chr10:62,813,711-62,813,728 gives the same sequence; the position shown is the placement nearest the transcript's 3' end. VCF-style (leftmost placement, unchanged base first): chr10-62813710-AGGCGGCGGC-A. GRCh37 (hg19) VCF-style: chr10-64573470-AGGCGGCGGC-A.
Other names: c.910GCC[3], p.Ala307_Ala309del (NM_001136177.3, NM_001136178.2); c.760GCC[3], p.Ala257_Ala259del (NM_001136179.3, NM_001321037.2).
Identifiers: ClinVar variation 1024071 (VCV001024071.8), dbSNP rs753747037, ClinGen allele CA5517198.

ClinVar aggregate classification (germline): Uncertain significance (1 of 4 stars; one submission).

Conditions:
Charcot-Marie-Tooth disease, type I (CMT1). Also called: Charcot-Marie-Tooth disease type 1; Charcot-Marie-Tooth, Type 1. Identifiers: Orphanet 65753, MedGen C0751036, MONDO:0019011.

Submission:

Labcorp Genetics (formerly Invitae), Labcorp
Classification: Uncertain significance for Charcot-Marie-Tooth disease, type I. Last evaluated: 2024-09-14. Review status: criteria provided, single submitter. Criteria: Invitae Variant Classification Sherloc (09022015). Collection method: clinical testing. Allele origin: germline.
Comment: This variant, c.919_927del, results in the deletion of 3 amino acid(s) of the EGR2 protein (p.Ala307_Ala309del), but otherwise preserves the integrity of the reading frame. This variant is present in population databases (rs758019499, gnomAD 0.02%). This variant has been observed in individual(s) with clinical features of EGR2-related conditions (internal data). Experimental studies and prediction algorithms are not available or were not evaluated, and the functional significance of this variant is currently unknown. In summary, the available evidence is currently insufficient to determine the role of this variant in disease. Therefore, it has been classified as a Variant of Uncertain Significance.